The following is an entry in ClinVar:

NM_002637.4(PHKA1):c.1318G>A (p.Val440Ile)

Gene: PHKA1 (phosphorylase kinase regulatory subunit alpha 1; minus strand). Cytogenetic location: Xq13.1.
Variant type: single nucleotide variant.
Coding change: c.1318G>A on transcript NM_002637.4 (MANE Select); coding-DNA position 1318, G replaced by A.
Protein change: p.Val440Ile; replaces valine 440 with isoleucine.
Molecular consequence: missense variant.
Genome position (GRCh38, 1-based): chrX:72,650,396, C>T on the plus strand (G>A on the coding strand, the complement: PHKA1 is on the minus strand). VCF-style: chrX-72650396-C-T. GRCh37 (hg19) VCF-style: chrX-71870246-C-T.
Other names: c.1318G>A, p.Val440Ile (NM_001122670.2, NM_001172436.2); c.1318G>A (NM_001122670.1); short protein forms V440I.
Identifiers: ClinVar variation 912578 (VCV000912578.13), dbSNP rs782651487, ClinGen allele CA10450890.

ClinVar aggregate classification (germline): Uncertain significance. Review status: criteria provided, multiple submitters, no conflicts (2 of 4 stars). 3 submissions from 3 submitters: Uncertain significance (3). Last evaluated 2025-11-21.

Conditions:
Glycogen storage disease IXd (GSD9D). Also called: GSD IXd; Muscle Phosphorylase Kinase Deficiency. Identifiers: Orphanet 715, MedGen C1845151, MONDO:0010362, OMIM 300559.

Allele frequency attached by ClinVar (database versions not stated): gnomAD 0.00001 and 0.00003; ExAC 0.00003; TOPMed 0.00003; gnomAD exomes 0.00005 and 0.00006.
gnomAD v4.1: 65 of 1,205,644 alleles (0.0054%); highest among the groups gnomAD compares: Non-Finnish European, 0.0067%; no homozygotes.

Submissions (3):

Labcorp Genetics (formerly Invitae), Labcorp
Classification: Uncertain significance for Glycogen storage disease IXd. Last evaluated: 2025-11-21. Review status: criteria provided, single submitter. Criteria: Invitae Variant Classification Sherloc (09022015). Collection method: clinical testing. Allele origin: germline.
Comment: This sequence change replaces valine, which is neutral and non-polar, with isoleucine, which is neutral and non-polar, at codon 440 of the PHKA1 protein (p.Val440Ile). This variant is present in population databases (rs782651487, gnomAD 0.01%). This variant has not been reported in the literature in individuals affected with PHKA1-related conditions. ClinVar contains an entry for this variant (Variation ID: 912578). Invitae Evidence Modeling of protein sequence and biophysical properties (such as structural, functional, and spatial information, amino acid conservation, physicochemical variation, residue mobility, and thermodynamic stability) indicates that this missense variant is not expected to disrupt PHKA1 protein function with a negative predictive value of 80%. In summary, the available evidence is currently insufficient to determine the role of this variant in disease. Therefore, it has been classified as a Variant of Uncertain Significance.

Clinical Genetics Laboratory, Skane University Hospital Lund
Classification: Uncertain significance. Last evaluated: 2022-05-27. Review status: criteria provided, single submitter. Criteria: ACMG Guidelines, 2015. Collection method: clinical testing. Allele origin: germline. Affected: yes.

Illumina Laboratory Services, Illumina
Classification: Uncertain significance for Glycogen storage disease IXd. Last evaluated: 2017-04-27. Review status: criteria provided, single submitter. Criteria: ICSL Variant Classification Criteria 13 December 2019. Collection method: clinical testing. Allele origin: germline.